The following is an entry in ClinVar:

ClinVar aggregate classification (germline): Uncertain significance (1 of 4 stars; one submission).

Conditions:
Inborn genetic diseases. Identifiers: MedGen C0950123, MeSH D030342.

gnomAD v4.1: 1 of 1,614,212 alleles (0.000062%); highest among the groups gnomAD compares: South Asian, 0.0011%; no homozygotes.

Submission:

Ambry Genetics
Classification: Uncertain significance for Inborn genetic diseases. Last evaluated: 2022-06-28. Review status: criteria provided, single submitter. Criteria: Ambry Variant Classification Scheme 2023. Collection method: clinical testing. Allele origin: germline.
Comment: The p.L121F variant (also known as c.361C>T), located in coding exon 3 of the EPAS1 gene, results from a C to T substitution at nucleotide position 361. The leucine at codon 121 is replaced by phenylalanine, an amino acid with highly similar properties. This amino acid position is conserved. In addition, this alteration is predicted to be tolerated by in silico analysis. Since supporting evidence is limited at this time, the clinical significance of this alteration remains unclear.

NM_001430.5(EPAS1):c.361C>T (p.Leu121Phe)

Gene: EPAS1 (endothelial PAS domain protein 1; plus strand). Cytogenetic location: 2p21.
Variant type: single nucleotide variant.
Coding change: c.361C>T on transcript NM_001430.5 (MANE Select); coding-DNA position 361, C replaced by T.
Protein change: p.Leu121Phe; replaces leucine 121 with phenylalanine.
Molecular consequence: missense variant.
Genome position (GRCh38, 1-based): chr2:46,356,294, C>T. VCF-style: chr2-46356294-C-T. GRCh37 (hg19) VCF-style: chr2-46583433-C-T.
Other names: short protein forms L121F.
Identifiers: ClinVar variation 1733304 (VCV001733304.2), dbSNP rs552729281, ClinGen allele CA346697980.